The following is an entry in ClinVar:

ClinVar aggregate classification (germline): Uncertain significance (1 of 4 stars; one submission).

Conditions:
Chédiak-Higashi syndrome (CHS). Also called: Chediak-Higashi Syndrome. Identifiers: Orphanet 167, MedGen C0007965, MONDO:0008963, OMIM 214500.

Submission:

Labcorp Genetics (formerly Invitae), Labcorp
Classification: Uncertain significance for Chédiak-Higashi syndrome. Last evaluated: 2021-12-22. Review status: criteria provided, single submitter. Criteria: Invitae Variant Classification Sherloc (09022015). Collection method: clinical testing. Allele origin: germline.
Comment: This sequence change replaces serine, which is neutral and polar, with cysteine, which is neutral and slightly polar, at codon 2920 of the LYST protein (p.Ser2920Cys). This variant is not present in population databases (gnomAD no frequency). This variant has not been reported in the literature in individuals affected with LYST-related conditions. Algorithms developed to predict the effect of missense changes on protein structure and function are either unavailable or do not agree on the potential impact of this missense change (SIFT: "Deleterious"; PolyPhen-2: "Probably Damaging"; Align-GVGD: "Class C0"). In summary, the available evidence is currently insufficient to determine the role of this variant in disease. Therefore, it has been classified as a Variant of Uncertain Significance.

NM_000081.4(LYST):c.8758A>T (p.Ser2920Cys)

Gene: LYST (lysosomal trafficking regulator; minus strand). Cytogenetic location: 1q42.3.
Variant type: single nucleotide variant.
Coding change: c.8758A>T on transcript NM_000081.4 (MANE Select); coding-DNA position 8758, A replaced by T.
Protein change: p.Ser2920Cys; replaces serine 2920 with cysteine.
Molecular consequence: missense variant.
Genome position (GRCh38, 1-based): chr1:235,733,546, T>A on the plus strand (A>T on the coding strand, the complement: LYST is on the minus strand). VCF-style: chr1-235733546-T-A. GRCh37 (hg19) VCF-style: chr1-235896846-T-A.
Other names: c.8758A>T, p.Ser2920Cys (NM_001301365.1); short protein forms S2920C.
Identifiers: ClinVar variation 2053170 (VCV002053170.1), dbSNP rs775818987, ClinGen allele CA344920032.